The following is an entry in ClinVar:

ClinVar aggregate classification (germline): Likely benign (0 of 4 stars; one submission).

Conditions:
LRRIQ3-related disorder. Also called: LRRIQ3-related condition.

Allele frequency attached by ClinVar (database versions not stated): gnomAD exomes below 0.00001; ExAC 0.00001; gnomAD 0.00009.
gnomAD v4.1: 23 of 1,570,056 alleles (0.0015%); highest among the groups gnomAD compares: Admixed American, 0.032%; 1 homozygote.

Submission:

PreventionGenetics, part of Exact Sciences
Classification: Likely benign for LRRIQ3-related condition. Last evaluated: 2019-07-01. Review status: no assertion criteria provided. Collection method: clinical testing. Allele origin: germline.
Comment: This variant is classified as likely benign based on ACMG/AMP sequence variant interpretation guidelines (Richards et al. 2015 PMID: 25741868, with internal and published modifications).

NM_001105659.2(LRRIQ3):c.696A>G (p.Arg232=)

Gene: LRRIQ3 (leucine rich repeats and IQ motif containing 3; minus strand). Cytogenetic location: 1p31.1.
Variant type: single nucleotide variant.
Coding change: c.696A>G on transcript NM_001105659.2 (MANE Select); coding-DNA position 696, A replaced by G.
Protein change: p.Arg232=; no amino-acid change (arginine 232 retained).
Molecular consequence: synonymous variant.
Genome position (GRCh38, 1-based): chr1:74,155,744, T>C on the plus strand (A>G on the coding strand, the complement: LRRIQ3 is on the minus strand). VCF-style: chr1-74155744-T-C. GRCh37 (hg19) VCF-style: chr1-74621428-T-C.
Other names: c.696A>G, p.Arg232= (NM_001322315.2).
Identifiers: ClinVar variation 3043290 (VCV003043290.2), dbSNP rs879546770, ClinGen allele CA907989.